The following is an entry in ClinVar:

NM_000285.4(PEPD):c.98G>A (p.Arg33Gln)

Gene: PEPD (peptidase D; minus strand). Cytogenetic location: 19q13.11.
Variant type: single nucleotide variant.
Coding change: c.98G>A on transcript NM_000285.4 (MANE Select); coding-DNA position 98, G replaced by A.
Protein change: p.Arg33Gln; replaces arginine 33 with glutamine.
Molecular consequence: missense variant.
Genome position (GRCh38, 1-based): chr19:33,512,696, C>T on the plus strand (G>A on the coding strand, the complement: PEPD is on the minus strand). VCF-style: chr19-33512696-C-T. GRCh37 (hg19) VCF-style: chr19-34003602-C-T.
Other names: c.98G>A, p.Arg33Gln (NM_001166056.2, NM_001166057.2); short protein forms R33Q.
Identifiers: ClinVar variation 1409538 (VCV001409538.3), dbSNP rs187269138, ClinGen allele CA9364495.

ClinVar aggregate classification (germline): Uncertain significance (1 of 4 stars; one submission).

Allele frequency attached by ClinVar (database versions not stated): gnomAD 0.00001 and 0.00002; ExAC 0.00003; TOPMed 0.00003; gnomAD exomes 0.00004; 1000 Genomes Project 30x 0.00016; 1000 Genomes Project 0.00020.
gnomAD v4.1: 60 of 1,614,064 alleles (0.0037%); highest among the groups gnomAD compares: Non-Finnish European, 0.0041%; no homozygotes.

Submission:

Labcorp Genetics (formerly Invitae), Labcorp
Classification: Uncertain significance. Last evaluated: 2022-08-09. Review status: criteria provided, single submitter. Criteria: Invitae Variant Classification Sherloc (09022015). Collection method: clinical testing. Allele origin: germline.
Comment: This sequence change replaces arginine, which is basic and polar, with glutamine, which is neutral and polar, at codon 33 of the PEPD protein (p.Arg33Gln). This variant is present in population databases (rs187269138, gnomAD 0.02%). This variant has not been reported in the literature in individuals affected with PEPD-related conditions. ClinVar contains an entry for this variant (Variation ID: 1409538). Algorithms developed to predict the effect of missense changes on protein structure and function (SIFT, PolyPhen-2, Align-GVGD) all suggest that this variant is likely to be tolerated. Algorithms developed to predict the effect of sequence changes on RNA splicing suggest that this variant may create or strengthen a splice site. In summary, the available evidence is currently insufficient to determine the role of this variant in disease. Therefore, it has been classified as a Variant of Uncertain Significance.